The following is an entry in ClinVar:

NM_005591.4(MRE11):c.463C>T (p.Arg155Cys)

Gene: MRE11 (MRE11 double strand break repair nuclease; minus strand). Cytogenetic location: 11q21.
Variant type: single nucleotide variant.
Coding change: c.463C>T on transcript NM_005591.4 (MANE Select); coding-DNA position 463, C replaced by T.
Protein change: p.Arg155Cys; replaces arginine 155 with cysteine.
Molecular consequence: missense variant.
Genome position (GRCh38, 1-based): chr11:94,478,816, G>A on the plus strand (C>T on the coding strand, the complement: MRE11 is on the minus strand). VCF-style: chr11-94478816-G-A. GRCh37 (hg19) VCF-style: chr11-94211982-G-A.
Other names: p.Arg155Cys; c.463C>T, p.Arg155Cys (NM_005590.4, NM_001330347.2); short protein forms R155C.
Identifiers: ClinVar variation 142512 (VCV000142512.20), dbSNP rs587782512, ClinGen allele CA168558.

ClinVar aggregate classification (germline): Uncertain significance. Review status: criteria provided, multiple submitters, no conflicts (2 of 4 stars). 7 submissions from 7 submitters: Uncertain significance (7). Last evaluated 2025-10-15.

Conditions:
Ataxia-telangiectasia-like disorder (ATLD). Identifiers: MedGen C1858391, MONDO:0011457.
Hereditary cancer-predisposing syndrome. Also called: Hereditary Cancer Syndrome; Neoplastic Syndromes, Hereditary; Hereditary neoplastic syndrome; Tumor predisposition. Identifiers: Orphanet 140162, MedGen C0027672, MeSH D009386, MONDO:0015356.
Hereditary breast ovarian cancer syndrome. Also called: BRCA1- and BRCA2-Associated Hereditary Breast and Ovarian Cancer; Hereditary breast and ovarian cancer syndrome; Hereditary breast and/or ovarian cancer syndrome; Breast and ovarian cancer; Hereditary breast and ovarian cancer; Hereditary breast and ovarian cancer syndrome (HBOC). Identifiers: Orphanet 145, MedGen C0677776, MeSH D061325, MONDO:0003582. Disease mechanism: loss of function.
Ataxia-telangiectasia-like disorder 1 (ATLD1). Identifiers: Orphanet 251347, MedGen C4012790, MONDO:0024557, OMIM 604391.

Allele frequency attached by ClinVar (database versions not stated): gnomAD exomes below 0.00001 and 0.00001; gnomAD 0.00001; TOPMed 0.00003.
gnomAD v4.1: 22 of 1,613,646 alleles (0.0014%); highest among the groups gnomAD compares: East Asian, 0.011%; no homozygotes.

Submissions (7):

Mayo Clinic Laboratories, Mayo Clinic
Classification: Uncertain significance. Last evaluated: 2025-10-15. Review status: criteria provided, single submitter. Criteria: ACMG Guidelines, 2015. Collection method: clinical testing. Allele origin: germline. Observed: 1 variant allele.
Comment: PP3, PM2_supporting

Ambry Genetics
Classification: Uncertain significance for Hereditary cancer-predisposing syndrome. Last evaluated: 2024-08-28. Review status: criteria provided, single submitter. Criteria: Ambry Variant Classification Scheme 2023. Collection method: clinical testing. Allele origin: germline.
Comment: The p.R155C variant (also known as c.463C>T), located in coding exon 5 of the MRE11A gene, results from a C to T substitution at nucleotide position 463. The arginine at codon 155 is replaced by cysteine, an amino acid with highly dissimilar properties. This variant was reported in an individual diagnosed with gastric cancer (Schwartz A et al. Front Oncol, 2022 Aug;12:942741) and an individual diagnosed with early-onset breast cancer (Young EL et al. J Med Genet, 2016 Jun;53:366-76). This amino acid position is well conserved in available vertebrate species. In addition, the in silico prediction for this alteration is inconclusive. Based on the available evidence, the clinical significance of this variant remains unclear.

Quest Diagnostics Nichols Institute San Juan Capistrano
Classification: Uncertain significance. Last evaluated: 2024-07-30. Review status: criteria provided, single submitter. Criteria: Quest Diagnostics criteria. Collection method: clinical testing. Allele origin: unknown.

Labcorp Genetics (formerly Invitae), Labcorp
Classification: Uncertain significance for Ataxia-telangiectasia-like disorder. Last evaluated: 2023-09-29. Review status: criteria provided, single submitter. Criteria: Invitae Variant Classification Sherloc (09022015). Collection method: clinical testing. Allele origin: germline.
Comment: This sequence change replaces arginine, which is basic and polar, with cysteine, which is neutral and slightly polar, at codon 155 of the MRE11 protein (p.Arg155Cys). This variant is present in population databases (rs587782512, gnomAD 0.005%). This variant has not been reported in the literature in individuals affected with MRE11-related conditions. ClinVar contains an entry for this variant (Variation ID: 142512). An algorithm developed to predict the effect of missense changes on protein structure and function (PolyPhen-2) suggests that this variant¬†is likely to be tolerated. In summary, the available evidence is currently insufficient to determine the role of this variant in disease. Therefore, it has been classified as a Variant of Uncertain Significance.

Baylor Genetics
Classification: Uncertain significance for Ataxia-telangiectasia-like disorder 1. Last evaluated: 2023-08-10. Review status: criteria provided, single submitter. Criteria: ACMG Guidelines, 2015. Collection method: clinical testing. Allele origin: unknown.

Women's Health and Genetics/Laboratory Corporation of America, LabCorp
Classification: Uncertain significance. Last evaluated: 2022-12-12. Review status: criteria provided, single submitter. Criteria: LabCorp Variant Classification Summary - May 2015. Collection method: clinical testing. Allele origin: germline.
Comment: Variant summary: MRE11 c.463C>T (p.Arg155Cys) results in a non-conservative amino acid change located in the Calcineurin-like phosphoesterase domain, ApaH type (IPR004843) of the encoded protein sequence. Three of five in-silico tools predict a damaging effect of the variant on protein function. The variant allele was found at a frequency of 4e-06 in 250950 control chromosomes (gnomAD v2.1, exomes dataset). The available data on variant occurrences in the general population are insufficient to allow any conclusion about variant significance. The variant, c.463C>T, has been reported in the literature in individuals affected with breast cancer (Young_2016) and stomach cancer (Schwartz_2022), however without providing evidence of causality. The variant has also been reported in 1 / 7325 European American women, who are older than age 70 and cancer free (FLOSSIES database). In a recent large study evaluating breast cancer cases and controls in the Breast Cancer Association Consortium (BCAC), the variant was reported in 6/60466 cases, and in 1/53461 controls (Dorling_2021, reported through LOVD). These reports do not provide unequivocal conclusions about association of the variant with Hereditary Breast and Ovarian Cancer Syndrome. To our knowledge, no experimental evidence demonstrating an impact on protein function has been reported. Three clinical diagnostic laboratories have submitted clinical-significance assessments for this variant to ClinVar after 2014 without evidence for independent evaluation. All laboratories classified the variant as uncertain significance. Based on the evidence outlined above, the variant was classified as uncertain significance.

Cancer Genomics Group, Japanese Foundation For Cancer Research
Classification: Uncertain significance for Hereditary breast and ovarian cancer syndrome. Last evaluated: 2019-05-01. Review status: criteria provided, single submitter. Criteria: ACMG Guidelines, 2015. Collection method: research. Allele origin: germline. Affected: yes.

Literature cited by the submitters: PubMed 26787654 (cited by 3 submitters); PubMed 36091175 (cited by 3 submitters); PubMed 33471991 (cited by Quest Diagnostics Nichols Institute San Juan Capistrano and Women's Health and Genetics/Laboratory Corporation of America, LabCorp).